The following is an entry in ClinVar:

ClinVar aggregate classification (germline): Likely benign. Review status: criteria provided, multiple submitters, no conflicts (2 of 4 stars). 2 submissions from 2 submitters: Likely benign (2). Last evaluated 2024-10-24.

Conditions:
SLC51A-related disorder. Also called: SLC51A-related condition.

gnomAD v4.1: 255 of 1,613,844 alleles (0.016%); highest among the groups gnomAD compares: Non-Finnish European, 0.02%; no homozygotes.

Submissions (2):

PreventionGenetics, part of Exact Sciences
Classification: Likely benign for SLC51A-related condition. Last evaluated: 2024-10-24. Review status: criteria provided, single submitter. Criteria: ACMG Guidelines, 2015. Collection method: clinical testing. Allele origin: germline.
Comment: This variant is classified as likely benign based on ACMG/AMP sequence variant interpretation guidelines (Richards et al. 2015 PMID: 25741868, with internal and published modifications).

Ambry Genetics
Classification: Likely benign. Last evaluated: 2024-05-30. Review status: criteria provided, single submitter. Criteria: Ambry Variant Classification Scheme 2023. Collection method: clinical testing. Allele origin: germline.

NM_152672.6(SLC51A):c.522G>A (p.Arg174=)

Gene: SLC51A (solute carrier family 51 member A; plus strand). Cytogenetic location: 3q29.
Variant type: single nucleotide variant.
Coding change: c.522G>A on transcript NM_152672.6 (MANE Select); coding-DNA position 522, G replaced by A.
Protein change: p.Arg174=; no amino-acid change (arginine 174 retained).
Molecular consequence: synonymous variant.
Genome position (GRCh38, 1-based): chr3:196,228,809, G>A. VCF-style: chr3-196228809-G-A. GRCh37 (hg19) VCF-style: chr3-195955680-G-A.
Identifiers: ClinVar variation 3320010 (VCV003320010.2).